The following is an entry in ClinVar:

ClinVar aggregate classification (germline): Likely pathogenic (1 of 4 stars; one submission).

Allele frequency attached by ClinVar (database versions not stated): gnomAD exomes below 0.00001.
gnomAD v4.1: 1 of 1,517,710 alleles (0.000066%); highest among the groups gnomAD compares: Non-Finnish European, 0.000091%; no homozygotes.

Submission:

Labcorp Genetics (formerly Invitae), Labcorp
Classification: Likely pathogenic. Last evaluated: 2021-04-18. Review status: criteria provided, single submitter. Criteria: Invitae Variant Classification Sherloc (09022015). Collection method: clinical testing. Allele origin: germline.
Comment: In summary, the currently available evidence indicates that the variant is pathogenic, but additional data are needed to prove that conclusively. Therefore, this variant has been classified as Likely Pathogenic. Algorithms developed to predict the effect of sequence changes on RNA splicing suggest that this variant may disrupt the consensus splice site, but this prediction has not been confirmed by published transcriptional studies. This variant has not been reported in the literature in individuals with LRPPRC-related conditions. This variant is not present in population databases (ExAC no frequency). This sequence change affects a donor splice site in intron 13 of the LRPPRC gene. It is expected to disrupt RNA splicing. Variants that disrupt the donor or acceptor splice site typically lead to a loss of protein function (PMID: 16199547), and loss-of-function variants in LRPPRC are known to be pathogenic (PMID: 26510951).

Literature cited by the submitters: PubMed 16199547; PubMed 26510951.

NM_133259.4(LRPPRC):c.1582+1G>A

Gene: LRPPRC (leucine rich pentatricopeptide repeat containing; minus strand). Cytogenetic location: 2p21.
Variant type: single nucleotide variant.
Coding change: c.1582+1G>A on transcript NM_133259.4 (MANE Select); the canonical splice donor site of the intron after coding-DNA position 1582, G replaced by A.
Molecular consequence: splice donor variant.
Genome position (GRCh38, 1-based): chr2:43,960,540, C>T on the plus strand (G>A on the coding strand, the complement: LRPPRC is on the minus strand). VCF-style: chr2-43960540-C-T. GRCh37 (hg19) VCF-style: chr2-44187679-C-T.
Identifiers: ClinVar variation 1484239 (VCV001484239.8), dbSNP rs2103661277, ClinGen allele CA346678657.